The following is an entry in ClinVar:

NM_001288705.3(CSF1R):c.835G>A (p.Val279Met)

Gene: CSF1R (colony stimulating factor 1 receptor; minus strand). Cytogenetic location: 5q32.
Variant type: single nucleotide variant.
Coding change: c.835G>A on transcript NM_001288705.3 (MANE Select); coding-DNA position 835, G replaced by A.
Protein change: p.Val279Met; replaces valine 279 with methionine.
Molecular consequence: missense variant. On other transcripts: non-coding transcript variant (2).
Genome position (GRCh38, 1-based): chr5:150,077,330, C>T on the plus strand (G>A on the coding strand, the complement: CSF1R is on the minus strand). VCF-style: chr5-150077330-C-T. GRCh37 (hg19) VCF-style: chr5-149456893-C-T.
Other names: c.835G>A, p.Val279Met (NM_001349736.2, NM_001375320.1, NM_005211.4); c.391G>A, p.Val131Met (NM_001375321.1); short protein forms V279M, V131M.
Identifiers: ClinVar variation 352160 (VCV000352160.43), dbSNP rs3829986, ClinGen allele CA3507053.
Genomic context (GRCh38, chr5:150,077,330, plus strand): 5'-GCTTACCTACCACCCGGAAGAACATGGAGGTGGAGTGCTTGCCCTGCACGTTGCTGGCCA[C>T]GCAGGAGTAGTTGCCGGCATGTTGGAAATCTACTTGATCGAGGTTGAGGGTCAGGACTTT-3'
Protein context (NP_001275634.1, residues 269-289): DFQHAGNYSC[Val279Met]ASNVQGKHST

ClinVar aggregate classification (germline): Benign. Review status: criteria provided, multiple submitters, no conflicts (2 of 4 stars). 7 submissions from 7 submitters: Benign (4). 3 of the submissions do not count toward it. Last evaluated 2026-01-26.

Conditions:
Hereditary diffuse leukoencephalopathy with spheroids. Also called: LEUKOENCEPHALOPATHY, ADULT-ONSET, WITH AXONAL SPHEROIDS AND PIGMENTED GLIA. Identifiers: Orphanet 313808, MedGen C3711381, MONDO:0030796.
CSF1R-related disorder. Also called: CSF1R-related condition. Identifiers: MedGen CN379780, MONDO:0100632.

Allele frequency attached by ClinVar (database versions not stated): ESP Exome Variant Server 0.00008; gnomAD 0.00089 and 0.00138; TOPMed 0.00146; 1000 Genomes Project 30x 0.00437; 1000 Genomes Project 0.00519.
gnomAD v4.1: 2,718 of 1,614,172 alleles (0.17%); highest among the groups gnomAD compares: East Asian, 5%; 75 homozygotes.

Submissions (7):

Labcorp Genetics (formerly Invitae), Labcorp
Classification: Benign. Last evaluated: 2026-01-26. Review status: criteria provided, single submitter. Criteria: Invitae Variant Classification Sherloc (09022015). Collection method: clinical testing. Allele origin: germline.

Mayo Clinic Laboratories, Mayo Clinic
Classification: Benign. Last evaluated: 2024-03-08. Review status: criteria provided, single submitter. Criteria: ACMG Guidelines, 2015. Collection method: clinical testing. Allele origin: germline. Observed: 2 variant alleles.
Comment: BS1, BS2, BP4

CeGaT Center for Human Genetics Tuebingen
Classification: Benign. Last evaluated: 2023-08-01. Review status: criteria provided, single submitter. Criteria: CeGaT Center For Human Genetics Tuebingen Variant Classification Criteria Version 2. Collection method: clinical testing. Allele origin: germline. Affected: yes. Observed: 1 variant allele.
Comment: CSF1R: BP4, BS1, BS2

Illumina Laboratory Services, Illumina
Classification: Benign for Leukoencephalopathy, diffuse hereditary, with spheroids 1. Last evaluated: 2018-01-12. Review status: criteria provided, single submitter. Criteria: ICSL Variant Classification Criteria 13 December 2019. Collection method: clinical testing. Allele origin: germline.
Comment: This variant was observed in the ICSL laboratory as part of a predisposition screen in an ostensibly healthy population. It had not been previously curated by ICSL or reported in the Human Gene Mutation Database (HGMD: prior to June 1st, 2018), and was therefore a candidate for classification through an automated scoring system. Utilizing variant allele frequency, disease prevalence and penetrance estimates, and inheritance mode, an automated score was calculated to assess if this variant is too frequent to cause the disease. Based on the score and internal cut-off values, a variant classified as benign is not then subjected to further curation. The score for this variant resulted in a classification of benign for this disease.

PreventionGenetics, part of Exact Sciences
Classification: Benign for CSF1R-related condition. Last evaluated: 2019-07-18. Review status: no assertion criteria provided. Collection method: clinical testing. Allele origin: germline. Not counted in ClinVar's aggregate classification.
Comment: This variant is classified as benign based on ACMG/AMP sequence variant interpretation guidelines (Richards et al. 2015 PMID: 25741868, with internal and published modifications).

Clinical Genetics DNA and cytogenetics Diagnostics Lab, Erasmus MC, Erasmus Medical Center
Classification: Benign. Review status: no assertion criteria provided. Collection method: clinical testing. Allele origin: germline. Affected: yes. Study: VKGL Data-share Consensus. Not counted in ClinVar's aggregate classification.

Laboratory of Diagnostic Genome Analysis, Leiden University Medical Center (LUMC)
Classification: Likely benign. Review status: no assertion criteria provided. Collection method: clinical testing. Allele origin: germline. Affected: yes. Study: VKGL Data-share Consensus. Not counted in ClinVar's aggregate classification.

Literature cited by the submitters: PubMed 30954774 (cited by Mayo Clinic Laboratories, Mayo Clinic); PubMed 31182772 (cited by Mayo Clinic Laboratories, Mayo Clinic); PubMed 33466296 (cited by Mayo Clinic Laboratories, Mayo Clinic).